The following is an entry in ClinVar:

ClinVar aggregate classification (germline): Likely benign (1 of 4 stars; one submission).

gnomAD v4.1: 5 of 1,610,998 alleles (0.00031%); highest among the groups gnomAD compares: South Asian, 0.0044%; no homozygotes.

Submission:

CeGaT Center for Human Genetics Tuebingen
Classification: Likely benign. Last evaluated: 2025-02-01. Review status: criteria provided, single submitter. Criteria: CeGaT Center For Human Genetics Tuebingen Variant Classification Criteria Version 2. Collection method: clinical testing. Allele origin: germline. Affected: yes. Observed: 1 variant allele.
Comment: CIC: BS1

NM_001386298.1(CIC):c.5884G>T (p.Val1962Leu)

Gene: CIC (capicua transcriptional repressor; plus strand). Cytogenetic location: 19q13.2.
Variant type: single nucleotide variant.
Coding change: c.5884G>T on transcript NM_001386298.1 (MANE Select); coding-DNA position 5884, G replaced by T.
Protein change: p.Val1962Leu; replaces valine 1962 with leucine.
Molecular consequence: missense variant.
Genome position (GRCh38, 1-based): chr19:42,292,448, G>T. VCF-style: chr19-42292448-G-T. GRCh37 (hg19) VCF-style: chr19-42796600-G-T.
Other names: c.5884G>T, p.Val1962Leu (NM_001304815.2, NM_001379480.1, NM_001379482.1); c.3157G>T, p.Val1053Leu (NM_001379484.1, NM_001379485.1, NM_015125.5); short protein forms V1053L, V1962L.
Identifiers: ClinVar variation 3772477 (VCV003772477.13).